The following is an entry in ClinVar:

NM_004006.3(DMD):c.1993-2A>G

Gene: DMD (dystrophin; minus strand). Cytogenetic location: Xp21.1.
Variant type: single nucleotide variant.
Coding change: c.1993-2A>G on transcript NM_004006.3 (MANE Select); the canonical splice acceptor site of the intron before coding-DNA position 1993, A replaced by G.
Molecular consequence: splice acceptor variant.
Genome position (GRCh38, 1-based): chrX:32,545,336, T>C on the plus strand (A>G on the coding strand, the complement: DMD is on the minus strand). VCF-style: chrX-32545336-T-C. GRCh37 (hg19) VCF-style: chrX-32563453-T-C.
Other names: c.1993-2A>G (NM_004006.2); c.1969-2A>G (NM_000109.4); c.1981-2A>G (NM_004009.3); c.1624-2A>G (NM_004010.3).
Identifiers: ClinVar variation 2017685 (VCV002017685.6), dbSNP rs2526095742, ClinGen allele CA412668725.

ClinVar aggregate classification (germline): Likely pathogenic. Review status: criteria provided, multiple submitters, no conflicts (2 of 4 stars). 2 submissions from 2 submitters: Likely pathogenic (2). Last evaluated 2024-08-25.

Conditions:
Becker muscular dystrophy, Cardiomyopathy, Duchenne muscular dystrophy, Dystrophin deficiency.
Duchenne muscular dystrophy (DMD). Also called: MUSCULAR DYSTROPHY, PSEUDOHYPERTROPHIC PROGRESSIVE, DUCHENNE TYPE; Duchenne Muscular Dystrophy (DMD). Identifiers: Orphanet 98896, MedGen C0013264, MONDO:0010679, OMIM 310200.

gnomAD v4.1: 2 of 1,209,799 alleles (0.00017%); highest among the groups gnomAD compares: Non-Finnish European, 0.00022%; no homozygotes.

Submissions (3):

Natera, Inc.
Classification: Likely pathogenic for Becker muscular dystrophy, Cardiomyopathy, Duchenne muscular dystrophy, Dystrophin deficiency. Last evaluated: 2024-08-25. Review status: criteria provided, single submitter. Criteria: Natera Variant Classification Schema (03/2026). Collection method: clinical testing. Allele origin: germline.
Comment: The c.1993-2A>G variant in DMD is a canonical splice acceptor site variant predicted to affect pre-mRNA splicing, which may result in an abnormal transcript and altered protein product. This variant is expected to result in nonsense mediated decay, truncation, or a dysfunctional protein product. This variant is rare in the general population with a frequency below the threshold expected for the associated phenotype(s). Given the available evidence, this variant is classified as Likely Pathogenic.

Labcorp Genetics (formerly Invitae), Labcorp
Classification: Likely pathogenic for Duchenne muscular dystrophy. Last evaluated: 2022-07-16. Review status: criteria provided, single submitter. Criteria: Invitae Variant Classification Sherloc (09022015). Collection method: clinical testing. Allele origin: germline.
Comment: In summary, the currently available evidence indicates that the variant is pathogenic, but additional data are needed to prove that conclusively. Therefore, this variant has been classified as Likely Pathogenic. Algorithms developed to predict the effect of sequence changes on RNA splicing suggest that this variant may disrupt the consensus splice site. This variant has not been reported in the literature in individuals affected with DMD-related conditions. This variant is not present in population databases (gnomAD no frequency). This sequence change affects an acceptor splice site in intron 16 of the DMD gene. It is expected to disrupt RNA splicing. Variants that disrupt the donor or acceptor splice site typically lead to a loss of protein function (PMID: 16199547), and loss-of-function variants in DMD are known to be pathogenic (PMID: 16770791, 25007885).

Dr. Peter K. Rogan Lab, Western University
No classification provided (evidence only). Condition: Nonpapillary renal cell carcinoma. Review status: no classification provided. Collection method: in vitro. Allele origin: not applicable. Functional consequence: retained intron. Not counted in ClinVar's aggregate classification.

Literature cited by the submitters: PubMed 16199547 (cited by Labcorp Genetics (formerly Invitae), Labcorp); PubMed 16770791 (cited by Labcorp Genetics (formerly Invitae), Labcorp); PubMed 25007885 (cited by Labcorp Genetics (formerly Invitae), Labcorp).